The following is an entry in ClinVar:

ClinVar aggregate classification (germline): Uncertain significance. Review status: criteria provided, multiple submitters, no conflicts (2 of 4 stars). 2 submissions from 2 submitters: Uncertain significance (2). Last evaluated 2025-10-12.

Conditions:
Hereditary cancer-predisposing syndrome. Also called: Tumor predisposition; Neoplastic Syndromes, Hereditary; Hereditary Cancer Syndrome; Hereditary neoplastic syndrome. Identifiers: Orphanet 140162, MedGen C0027672, MeSH D009386, MONDO:0015356.
Cardiovascular phenotype. Identifiers: MedGen CN230736.
Neurofibromatosis, type 1 (NF1). Also called: Neurofibromatosis, type I; NEUROFIBROMATOSIS, TYPE I, SOMATIC; Peripheral type neurofibromatosis; VON RECKLINGHAUSEN DISEASE. Identifiers: Orphanet 636, MedGen C0027831, MONDO:0018975, OMIM 162200. Disease mechanism: loss of function.

Submissions (2):

Ambry Genetics
Classification: Uncertain significance for Cardiovascular phenotype; Hereditary cancer-predisposing syndrome. Last evaluated: 2025-10-12. Review status: criteria provided, single submitter. Criteria: Ambry Variant Classification Scheme 2023. Collection method: clinical testing. Allele origin: germline.
Comment: The p.Y2310F variant (also known as c.6929A>T), located in coding exon 46 of the NF1 gene, results from an A to T substitution at nucleotide position 6929. The tyrosine at codon 2310 is replaced by phenylalanine, an amino acid with highly similar properties. This amino acid position is conserved. In addition, this alteration is predicted to be tolerated by in silico analysis. Based on the available evidence, the clinical significance of this variant remains unclear.

Labcorp Genetics (formerly Invitae), Labcorp
Classification: Uncertain significance for Neurofibromatosis, type 1. Last evaluated: 2016-10-03. Review status: criteria provided, single submitter. Criteria: Invitae Variant Classification Sherloc (09022015). Collection method: clinical testing. Allele origin: germline.
Comment: In summary, this variant is a novel missense change with uncertain impact on protein function. It has been classified as a Variant of Uncertain Significance. Algorithms developed to predict the effect of missense changes on protein structure and function do not agree on the potential impact of this missense change (SIFT: "Tolerated"; PolyPhen-2: "Probably Damaging"; Align-GVGD: "Class C0"). This variant is not present in population databases (ExAC no frequency) and has not been reported in the literature in individuals with an NF1-related disease. This sequence change replaces tyrosine with phenylalanine at codon 2310 of the NF1 protein (p.Tyr2310Phe). The tyrosine residue is moderately conserved and there is a small physicochemical difference between tyrosine and phenylalanine.

NM_001042492.3(NF1):c.6992A>T (p.Tyr2331Phe)

Gene: NF1 (neurofibromin 1; plus strand). Cytogenetic location: 17q11.2.
Variant type: single nucleotide variant.
Coding change: c.6992A>T on transcript NM_001042492.3 (MANE Select); coding-DNA position 6992, A replaced by T.
Protein change: p.Tyr2331Phe; replaces tyrosine 2331 with phenylalanine.
Molecular consequence: missense variant.
Genome position (GRCh38, 1-based): chr17:31,340,575, A>T. VCF-style: chr17-31340575-A-T. GRCh37 (hg19) VCF-style: chr17-29667593-A-T.
Other names: c.6929A>T, p.Tyr2310Phe (NM_000267.4); short protein forms Y2331F, Y2310F.
Identifiers: ClinVar variation 404499 (VCV000404499.6), dbSNP rs1060500304, ClinGen allele CA16615577.